The following is an entry in ClinVar:

NM_000548.5(TSC2):c.3564C>G (p.Pro1188=)

Gene: TSC2 (TSC complex subunit 2; plus strand). Cytogenetic location: 16p13.3.
Variant type: single nucleotide variant.
Coding change: c.3564C>G on transcript NM_000548.5 (MANE Select); coding-DNA position 3564, C replaced by G.
Protein change: p.Pro1188=; no amino-acid change (proline 1188 retained).
Molecular consequence: synonymous variant.
Genome position (GRCh38, 1-based): chr16:2,080,331, C>G. VCF-style: chr16-2080331-C-G. GRCh37 (hg19) VCF-style: chr16-2130332-C-G.
Other names: c.3564C>G (NM_000548.3); c.3432C>G, p.Pro1144= (NM_001077183.3, NM_001370404.1); c.3564C>G, p.Pro1188= (NM_001114382.3); c.3324C>G, p.Pro1108= (NM_001318827.2); c.3288C>G, p.Pro1096= (NM_001318829.2); c.2832C>G, p.Pro944= (NM_001318831.2); c.3465C>G, p.Pro1155= (NM_001318832.2); c.3435C>G, p.Pro1145= (NM_001363528.2, NM_001370405.1, NM_021055.3).
Identifiers: ClinVar variation 1119689 (VCV001119689.11), dbSNP rs1253270588, ClinGen allele CA493043090.

ClinVar aggregate classification (germline): Benign/Likely benign. Review status: criteria provided, multiple submitters, no conflicts (2 of 4 stars). 3 submissions from 3 submitters: Benign (1); Likely benign (2). Last evaluated 2025-05-29.

Conditions:
Hereditary cancer-predisposing syndrome. Also called: Neoplastic Syndromes, Hereditary; Hereditary Cancer Syndrome; Hereditary neoplastic syndrome; Tumor predisposition. Identifiers: Orphanet 140162, MedGen C0027672, MeSH D009386, MONDO:0015356.
Tuberous sclerosis 2 (TSC2). Identifiers: Orphanet 805, MedGen C1860707, MONDO:0013199, OMIM 613254.

Submissions (3):

Myriad Genetics, Inc.
Classification: Benign for Tuberous sclerosis 2. Last evaluated: 2025-05-29. Review status: criteria provided, single submitter. Criteria: Myriad Autosomal Dominant, Autosomal Recessive and X-Linked Classification Criteria (2023). Collection method: clinical testing. Allele origin: unknown.
Comment: This variant is considered benign. This variant is a silent/synonymous amino acid change and it is not expected to impact splicing.

Ambry Genetics
Classification: Likely benign for Hereditary cancer-predisposing syndrome. Last evaluated: 2024-06-25. Review status: criteria provided, single submitter. Criteria: Ambry Variant Classification Scheme 2023. Collection method: clinical testing. Allele origin: germline.

Labcorp Genetics (formerly Invitae), Labcorp
Classification: Likely benign for Tuberous sclerosis 2. Last evaluated: 2022-03-03. Review status: criteria provided, single submitter. Criteria: Invitae Variant Classification Sherloc (09022015). Collection method: clinical testing. Allele origin: germline.